The following is an entry in ClinVar:

NM_001040108.2(MLH3):c.2701A>C (p.Asn901His)

Gene: MLH3 (mutL homolog 3; minus strand). Cytogenetic location: 14q24.3.
Variant type: single nucleotide variant.
Coding change: c.2701A>C on transcript NM_001040108.2 (MANE Select); coding-DNA position 2701, A replaced by C.
Protein change: p.Asn901His; replaces asparagine 901 with histidine.
Molecular consequence: missense variant.
Genome position (GRCh38, 1-based): chr14:75,046,955, T>G on the plus strand (A>C on the coding strand, the complement: MLH3 is on the minus strand). VCF-style: chr14-75046955-T-G. GRCh37 (hg19) VCF-style: chr14-75513658-T-G.
Other names: c.2701A>C, p.Asn901His (NM_014381.3); short protein forms N901H.
Identifiers: ClinVar variation 1794935 (VCV001794935.3), dbSNP rs146425909, ClinGen allele CA390438977.
Genomic context (GRCh38, chr14:75,046,955, plus strand): 5'-TACAAAAATCTTGTGTTAACACACTGCACAACTTGCTGTCTTTCCTACTGGAATCTGAAT[T>G]TGGAAGTTCATTAAAACGACTCATCATCCCCATTGTTTGAGTTTCTCTTTCGGAACCCTT-3'
Protein context (NP_001035197.1, residues 891-911): GMMSRFNELP[Asn901His]SDSSRKDSKL

ClinVar aggregate classification (germline): Uncertain significance (1 of 4 stars; one submission).

Submission:

Ambry Genetics
Classification: Uncertain significance. Last evaluated: 2025-04-04. Review status: criteria provided, single submitter. Criteria: Ambry Variant Classification Scheme 2023. Collection method: clinical testing. Allele origin: germline.
Comment: The p.N901H variant (also known as c.2701A>C), located in coding exon 1 of the MLH3 gene, results from an A to C substitution at nucleotide position 2701. The asparagine at codon 901 is replaced by histidine, an amino acid with similar properties. This amino acid position is conserved. In addition, this alteration is predicted to be tolerated by in silico analysis. Since supporting evidence is limited at this time, the clinical significance of this alteration remains unclear.